The following is an entry in ClinVar:

NM_001079520.2(DACT1):c.478+9T>G

Gene: DACT1 (dishevelled binding antagonist of beta catenin 1; plus strand). Cytogenetic location: 14q23.1.
Variant type: single nucleotide variant.
Coding change: c.478+9T>G on transcript NM_001079520.2 (MANE Select); 9 bases into the intron after coding-DNA position 478, T replaced by G.
Molecular consequence: intron variant.
Genome position (GRCh38, 1-based): chr14:58,640,877, T>G. VCF-style: chr14-58640877-T-G. GRCh37 (hg19) VCF-style: chr14-59107595-T-G.
Other names: c.478+9T>G (NM_016651.6).
Identifiers: ClinVar variation 711385 (VCV000711385.6), dbSNP rs150385273, ClinGen allele CA7206578.

ClinVar aggregate classification (germline): Benign. Review status: criteria provided, single submitter (1 of 4 stars). 2 submissions from 2 submitters: Benign (1). 1 of the submissions does not count toward it. Last evaluated 2019-12-31.

Conditions:
DACT1-related disorder. Also called: DACT1-related condition.

Allele frequency attached by ClinVar (database versions not stated): 1000 Genomes Project 30x 0.00062; ESP Exome Variant Server 0.00077; 1000 Genomes Project 0.00080; gnomAD 0.00102; TOPMed 0.00125.
gnomAD v4.1: 2,773 of 1,614,078 alleles (0.17%); highest among the groups gnomAD compares: Non-Finnish European, 0.22%; 4 homozygotes.

Submissions (2):

Labcorp Genetics (formerly Invitae), Labcorp
Classification: Benign. Last evaluated: 2019-12-31. Review status: criteria provided, single submitter. Criteria: Invitae Variant Classification Sherloc (09022015). Collection method: clinical testing. Allele origin: germline.

PreventionGenetics, part of Exact Sciences
Classification: Likely benign for DACT1-related condition. Last evaluated: 2022-12-29. Review status: no assertion criteria provided. Collection method: clinical testing. Allele origin: germline. Not counted in ClinVar's aggregate classification.
Comment: This variant is classified as likely benign based on ACMG/AMP sequence variant interpretation guidelines (Richards et al. 2015 PMID: 25741868, with internal and published modifications).